The following is an entry in ClinVar:

NM_004370.6(COL12A1):c.6325G>A (p.Gly2109Arg)

Gene: COL12A1 (collagen type XII alpha 1 chain; minus strand). Cytogenetic location: 6q13.
Variant type: single nucleotide variant.
Coding change: c.6325G>A on transcript NM_004370.6 (MANE Select); coding-DNA position 6325, G replaced by A.
Protein change: p.Gly2109Arg; replaces glycine 2109 with arginine.
Molecular consequence: missense variant.
Genome position (GRCh38, 1-based): chr6:75,128,311, C>T on the plus strand (G>A on the coding strand, the complement: COL12A1 is on the minus strand). VCF-style: chr6-75128311-C-T. GRCh37 (hg19) VCF-style: chr6-75838027-C-T.
Other names: c.2833G>A, p.Gly945Arg (NM_080645.3); short protein forms G2109R, G945R.
Identifiers: ClinVar variation 1021088 (VCV001021088.9), dbSNP rs1766116749, ClinGen allele CA364730276.

ClinVar aggregate classification (germline): Uncertain significance (1 of 4 stars; one submission).

Conditions:
Ullrich congenital muscular dystrophy 2 (UCMD2). Identifiers: Orphanet 75840, MedGen C4225314, MONDO:0014654, OMIM 616470.
Bethlem myopathy 2 (BTHLM2). Identifiers: Orphanet 536516, Orphanet 610, MedGen C4225313, MONDO:0034022, OMIM 616471.

Submission:

Labcorp Genetics (formerly Invitae), Labcorp
Classification: Uncertain significance for Bethlem myopathy 2; Ullrich congenital muscular dystrophy 2. Last evaluated: 2023-01-15. Review status: criteria provided, single submitter. Criteria: Invitae Variant Classification Sherloc (09022015). Collection method: clinical testing. Allele origin: germline.
Comment: In summary, the available evidence is currently insufficient to determine the role of this variant in disease. Therefore, it has been classified as a Variant of Uncertain Significance. Advanced modeling of protein sequence and biophysical properties (such as structural, functional, and spatial information, amino acid conservation, physicochemical variation, residue mobility, and thermodynamic stability) performed at Invitae indicates that this missense variant is expected to disrupt COL12A1 protein function. ClinVar contains an entry for this variant (Variation ID: 1021088). This variant has not been reported in the literature in individuals affected with COL12A1-related conditions. This variant is not present in population databases (gnomAD no frequency). This sequence change replaces glycine, which is neutral and non-polar, with arginine, which is basic and polar, at codon 2109 of the COL12A1 protein (p.Gly2109Arg).